The following is an entry in ClinVar:

NM_000170.3(GLDC):c.1411T>C (p.Ser471Pro)

Gene: GLDC (glycine decarboxylase; minus strand). Cytogenetic location: 9p24.1.
Variant type: single nucleotide variant.
Coding change: c.1411T>C on transcript NM_000170.3 (MANE Select); coding-DNA position 1411, T replaced by C.
Protein change: p.Ser471Pro; replaces serine 471 with proline.
Molecular consequence: missense variant.
Genome position (GRCh38, 1-based): chr9:6,592,214, A>G on the plus strand (T>C on the coding strand, the complement: GLDC is on the minus strand). VCF-style: chr9-6592214-A-G. GRCh37 (hg19) VCF-style: chr9-6592214-A-G.
Other names: short protein forms S471P.
Identifiers: ClinVar variation 1452233 (VCV001452233.8), dbSNP rs2129850481, ClinGen allele CA372893863.

ClinVar aggregate classification (germline): Pathogenic (1 of 4 stars; one submission).

Conditions:
Glycine encephalopathy. Also called: Non-ketotic hyperglycinemia; Nonketotic hyperglycinemia. Identifiers: Orphanet 407, MedGen C0751748, MONDO:0011612, HP:0008288.

Submission:

Labcorp Genetics (formerly Invitae), Labcorp
Classification: Pathogenic for Glycine encephalopathy. Last evaluated: 2024-10-17. Review status: criteria provided, single submitter. Criteria: Invitae Variant Classification Sherloc (09022015). Collection method: clinical testing. Allele origin: germline.
Comment: This sequence change replaces serine, which is neutral and polar, with proline, which is neutral and non-polar, at codon 471 of the GLDC protein (p.Ser471Pro). This variant is not present in population databases (gnomAD no frequency). This missense change has been observed in individual(s) with glycine encephalopathy (PMID: 27362913). In at least one individual the data is consistent with being in trans (on the opposite chromosome) from a pathogenic variant. ClinVar contains an entry for this variant (Variation ID: 1452233). Invitae Evidence Modeling of protein sequence and biophysical properties (such as structural, functional, and spatial information, amino acid conservation, physicochemical variation, residue mobility, and thermodynamic stability) indicates that this missense variant is expected to disrupt GLDC protein function with a positive predictive value of 95%. For these reasons, this variant has been classified as Pathogenic.

Literature cited by the submitters: PubMed 27362913.